The following is an entry in ClinVar:

NM_000384.3(APOB):c.7648A>G (p.Ile2550Val)

Gene: APOB (apolipoprotein B; minus strand). Cytogenetic location: 2p24.1.
Variant type: single nucleotide variant.
Coding change: c.7648A>G on transcript NM_000384.3 (MANE Select); coding-DNA position 7648, A replaced by G.
Protein change: p.Ile2550Val; replaces isoleucine 2550 with valine.
Molecular consequence: missense variant.
Genome position (GRCh38, 1-based): chr2:21,009,220, T>C on the plus strand (A>G on the coding strand, the complement: APOB is on the minus strand). VCF-style: chr2-21009220-T-C. GRCh37 (hg19) VCF-style: chr2-21232092-T-C.
Other names: short protein forms I2550V.
Identifiers: ClinVar variation 544081 (VCV000544081.8), dbSNP rs147565300, ClinGen allele CA43502198.

ClinVar aggregate classification (germline): Uncertain significance (1 of 4 stars; one submission).

Conditions:
Familial hypobetalipoproteinemia 1. Also called: Hypobetalipoproteinemia, normotriglyceridemic; Acanthocytosis with hypobetalipoproteinemia; APOB-Related Familial Hypobetalipoproteinemia. Identifiers: MedGen C4551990, MONDO:0014252, OMIM 615558.
Hypercholesterolemia, autosomal dominant, type B (FHCL2). Also called: Familial hypercholesterolemia 2; APOB-Related Familial Hypercholesterolemia, Autosomal Dominant; HYPERCHOLESTEROLEMIA, FAMILIAL, DUE TO LIGAND-DEFECTIVE APOLIPOPROTEIN B; Hyperlipoproteinemia Type IIb; Familial Hypercholesterolemia Type B; APOLIPOPROTEIN B-100, FAMILIAL DEFECTIVE. Identifiers: MedGen C1704417, MONDO:0007751, OMIM 144010.

Allele frequency attached by ClinVar (database versions not stated): gnomAD 0.00001; gnomAD exomes 0.00001; TOPMed 0.00001; ESP Exome Variant Server 0.00008.
gnomAD v4.1: 11 of 1,613,950 alleles (0.00068%); highest among the groups gnomAD compares: Non-Finnish European, 0.00093%; no homozygotes.

Submission:

Labcorp Genetics (formerly Invitae), Labcorp
Classification: Uncertain significance for Familial hypobetalipoproteinemia 1; Hypercholesterolemia, autosomal dominant, type B. Last evaluated: 2021-08-25. Review status: criteria provided, single submitter. Criteria: Invitae Variant Classification Sherloc (09022015). Collection method: clinical testing. Allele origin: germline.
Comment: This sequence change replaces isoleucine with valine at codon 2550 of the APOB protein (p.Ile2550Val). The isoleucine residue is moderately conserved and there is a small physicochemical difference between isoleucine and valine. This variant is not present in population databases (ExAC no frequency). This variant has not been reported in the literature in individuals affected with APOB-related conditions. Algorithms developed to predict the effect of missense changes on protein structure and function output the following: SIFT: "Tolerated"; PolyPhen-2: "Benign"; Align-GVGD: "Class C0". The valine amino acid residue is found in multiple mammalian species, which suggests that this missense change does not adversely affect protein function. In summary, the available evidence is currently insufficient to determine the role of this variant in disease. Therefore, it has been classified as a Variant of Uncertain Significance.